The following is an entry in ClinVar:

NM_001363540.2(DOCK4):c.5671_5682del (p.1887VP[2])

Gene: DOCK4 (dedicator of cytokinesis 4; minus strand). Cytogenetic location: 7q31.1.
Variant type: Deletion.
Coding change: c.5671_5682del on transcript NM_001363540.2 (MANE Select); coding-DNA positions 5671 to 5682, 12 bases deleted (GTGCCCGTGCCG).
Protein change: p.1887VP[2].
Molecular consequence: inframe deletion.
Genome position (GRCh38, 1-based): chr7:111,728,520-111,728,531, CGGCACGGGCAC deleted on the plus strand (GTGCCCGTGCCG on the coding strand, the reverse complement: DOCK4 is on the minus strand); deleting any 12 consecutive bases within chr7:111,728,520-111,728,537 gives the same sequence; the c. name uses the placement nearest the transcript's 3' end. VCF-style (leftmost placement, unchanged base first): chr7-111728519-TCGGCACGGGCAC-T. GRCh37 (hg19) VCF-style: chr7-111368575-TCGGCACGGGCAC-T.
Other names: c.5644_5655del, p.1878VP[2] (NM_014705.4).
Identifiers: ClinVar variation 4873067 (VCV004873067.2).

ClinVar aggregate classification (germline): Likely benign (1 of 4 stars; one submission).

Submission:

CeGaT Center for Human Genetics Tuebingen
Classification: Likely benign. Last evaluated: 2026-06-01. Review status: criteria provided, single submitter. Criteria: CeGaT Center For Human Genetics Tuebingen Variant Classification Criteria Version 2. Collection method: clinical testing. Allele origin: germline. Affected: yes. Observed: 1 variant allele.
Comment: DOCK4: PM4, BS1